The following is an entry in ClinVar:

ClinVar aggregate classification (germline): Uncertain significance (1 of 4 stars; one submission).

Conditions:
Retinoblastoma (RB1). Also called: RETINOBLASTOMA, SOMATIC. Identifiers: Orphanet 790, MedGen C0035335, MeSH D012175, MONDO:0008380, OMIM 180200, HP:0009919. Disease mechanism: loss of function. Inheritance: Both sporadic and heritable forms are tested..

Allele frequency attached by ClinVar (database versions not stated): TOPMed below 0.00001; gnomAD 0.00001; gnomAD exomes 0.00001.
gnomAD v4.1: 10 of 1,582,986 alleles (0.00063%); highest among the groups gnomAD compares: Non-Finnish European, 0.00087%; no homozygotes.

Submission:

Genetic Diagnostic Laboratory, University of Pennsylvania School of Medicine
Classification: Uncertain significance for Retinoblastoma. Last evaluated: 2024-05-20. Review status: criteria provided, single submitter. Criteria: ACMG Guidelines, 2015. Collection method: clinical testing. Allele origin: germline. Affected: yes. Observed: 1 variant allele.
Comment: Case and Pedigree Information: BILATERAL CASES:0, UNILATERAL CASES:1, TOTAL CASES:1, PEDIGREES:1. ACMG Codes Applied:PM2, BP4

NM_000321.3(RB1):c.719-39G>T

Gene: RB1 (RB transcriptional corepressor 1; plus strand). Cytogenetic location: 13q14.2.
Variant type: single nucleotide variant.
Coding change: c.719-39G>T on transcript NM_000321.3 (MANE Select); 39 bases into the intron before coding-DNA position 719, G replaced by T.
Molecular consequence: intron variant.
Genome position (GRCh38, 1-based): chr13:48,362,776, G>T. VCF-style: chr13-48362776-G-T. GRCh37 (hg19) VCF-style: chr13-48936912-G-T.
Other names: c.719-39G>T (NM_001407165.1, NM_001407166.1).
Identifiers: ClinVar variation 3237147 (VCV003237147.1), dbSNP rs1952654550.
Genomic context (GRCh38, chr13:48,362,776, plus strand): 5'-GTTACCAAGATTATTTTTGACCTAAGTTATAGTTAGAATACTTCATTATTTTATATGATG[G>T]ATGTACAATTGTTCTTATCTAATTTACCACTTTTACAGAAACAGCTGTTATACCCATTAA-3'